The following is an entry in ClinVar:

NM_015404.4(WHRN):c.1520A>T (p.Gln507Leu)

Gene: WHRN (whirlin; minus strand). Cytogenetic location: 9q32.
Variant type: single nucleotide variant.
Coding change: c.1520A>T on transcript NM_015404.4 (MANE Select); coding-DNA position 1520, A replaced by T.
Protein change: p.Gln507Leu; replaces glutamine 507 with leucine.
Molecular consequence: missense variant.
Genome position (GRCh38, 1-based): chr9:114,423,420, T>A on the plus strand (A>T on the coding strand, the complement: WHRN is on the minus strand). VCF-style: chr9-114423420-T-A. GRCh37 (hg19) VCF-style: chr9-117185700-T-A.
Other names: c.371A>T, p.Gln124Leu (NM_001083885.3); c.1520A>T, p.Gln507Leu (NM_001173425.2); c.467A>T, p.Gln156Leu (NM_001346890.1); short protein forms Q156L, Q124L, Q507L.
Identifiers: ClinVar variation 1896309 (VCV001896309.5), dbSNP rs1836499359, ClinGen allele CA374607269.

ClinVar aggregate classification (germline): Uncertain significance (1 of 4 stars; one submission).

Allele frequency attached by ClinVar (database versions not stated): gnomAD exomes below 0.00001; TOPMed below 0.00001.
gnomAD v4.1: 1 of 1,614,064 alleles (0.000062%); highest among the groups gnomAD compares: African/African-American, 0.0013%; no homozygotes.

Submission:

Labcorp Genetics (formerly Invitae), Labcorp
Classification: Uncertain significance. Last evaluated: 2024-11-18. Review status: criteria provided, single submitter. Criteria: Invitae Variant Classification Sherloc (09022015). Collection method: clinical testing. Allele origin: germline.
Comment: This sequence change replaces glutamine, which is neutral and polar, with leucine, which is neutral and non-polar, at codon 507 of the WHRN protein (p.Gln507Leu). This variant is not present in population databases (gnomAD no frequency). This variant has not been reported in the literature in individuals affected with WHRN-related conditions. ClinVar contains an entry for this variant (Variation ID: 1896309). An algorithm developed to predict the effect of missense changes on protein structure and function (PolyPhen-2) suggests that this variant is likely to be tolerated. In summary, the available evidence is currently insufficient to determine the role of this variant in disease. Therefore, it has been classified as a Variant of Uncertain Significance.